The following is an entry in ClinVar:

NM_003001.5(SDHC):c.*599A>G

Gene: SDHC (succinate dehydrogenase complex subunit C; plus strand). Cytogenetic location: 1q23.3.
Variant type: single nucleotide variant.
Coding change: c.*599A>G on transcript NM_003001.5 (MANE Select); 599 bases downstream of the stop codon, A replaced by G.
Molecular consequence: 3 prime UTR variant.
Genome position (GRCh38, 1-based): chr1:161,363,032, A>G. VCF-style: chr1-161363032-A-G. GRCh37 (hg19) VCF-style: chr1-161332822-A-G.
Other names: c.*492A>G (NM_001035511.3, NM_001278172.3, NM_001407121.1); c.*599A>G (NM_001035512.3, NM_001035513.3, NM_001407115.1 and 5 more transcripts).
Identifiers: ClinVar variation 875551 (VCV000875551.5), dbSNP rs191744054, ClinGen allele CA31439773.

ClinVar aggregate classification (germline): Benign (1 of 4 stars; one submission).

Conditions:
Hereditary pheochromocytoma and paraganglioma. Also called: Hereditary pheochromocytoma-paraganglioma; Hereditary paragangliomas and pheochromocytomas; Hereditary Paraganglioma-Pheochromocytoma Syndromes. Identifiers: Orphanet 29072, MedGen C4274332, MONDO:0017366.

Allele frequency attached by ClinVar (database versions not stated): gnomAD 0.00006 and 0.00012; TOPMed 0.00010; 1000 Genomes Project 0.00060; 1000 Genomes Project 30x 0.00062; gnomAD exomes 0.00068.
gnomAD v4.1: 78 of 247,398 alleles (0.032%); highest among the groups gnomAD compares: East Asian, 0.43%; 1 homozygote.

Submission:

Illumina Laboratory Services, Illumina
Classification: Benign for Hereditary Paraganglioma-Pheochromocytoma Syndromes. Last evaluated: 2018-01-13. Review status: criteria provided, single submitter. Criteria: ICSL Variant Classification Criteria 13 December 2019. Collection method: clinical testing. Allele origin: germline.
Comment: This variant was observed in the ICSL laboratory as part of a predisposition screen in an ostensibly healthy population. It had not been previously curated by ICSL or reported in the Human Gene Mutation Database (HGMD: prior to June 1st, 2018), and was therefore a candidate for classification through an automated scoring system. Utilizing variant allele frequency, disease prevalence and penetrance estimates, and inheritance mode, an automated score was calculated to assess if this variant is too frequent to cause the disease. Based on the score and internal cut-off values, a variant classified as benign is not then subjected to further curation. The score for this variant resulted in a classification of benign for this disease.